The following is an entry in ClinVar:

NM_000343.4(SLC5A1):c.1732G>A (p.Glu578Lys)

Gene: SLC5A1 (solute carrier family 5 member 1; plus strand). Cytogenetic location: 22q12.3.
Variant type: single nucleotide variant.
Coding change: c.1732G>A on transcript NM_000343.4 (MANE Select); coding-DNA position 1732, G replaced by A.
Protein change: p.Glu578Lys; replaces glutamic acid 578 with lysine.
Molecular consequence: missense variant.
Genome position (GRCh38, 1-based): chr22:32,104,852, G>A. VCF-style: chr22-32104852-G-A. GRCh37 (hg19) VCF-style: chr22-32500839-G-A.
Other names: c.1732G>A (NM_000343.3); c.1351G>A, p.Glu451Lys (NM_001256314.2); short protein forms E451K, E578K.
Identifiers: ClinVar variation 1347448 (VCV001347448.9), dbSNP rs1396167742, ClinGen allele CA411314770.
Genomic context (GRCh38, chr22:32,104,852, plus strand): 5'-CGTCTGTGTTGGAGCCTGCGCAACAGCAAAGAGGAGCGTATTGACCTGGATGCGGAAGAG[G>A]AGAACATCCAAGAAGGCCCTAAGGAGACCATTGAAATAGGTGACTTATGACCCAGAGCAG-3'
Protein context (NP_000334.1, residues 568-588): EERIDLDAEE[Glu578Lys]NIQEGPKETI

ClinVar aggregate classification (germline): Uncertain significance. Review status: criteria provided, multiple submitters, no conflicts (2 of 4 stars). 2 submissions from 2 submitters: Uncertain significance (2). Last evaluated 2025-11-26.

Conditions:
Inborn genetic diseases. Identifiers: MedGen C0950123, MeSH D030342.
Congenital glucose-galactose malabsorption (GGM). Also called: MONOSACCHARIDE MALABSORPTION; DIARRHEA 16. Identifiers: Orphanet 35710, MedGen C0268186, MONDO:0011731, OMIM 606824.

Submissions (2):

Ambry Genetics
Classification: Uncertain significance for Inborn genetic diseases. Last evaluated: 2025-11-26. Review status: criteria provided, single submitter. Criteria: Ambry Variant Classification Scheme 2023. Collection method: clinical testing. Allele origin: germline.

Labcorp Genetics (formerly Invitae), Labcorp
Classification: Uncertain significance for Congenital glucose-galactose malabsorption. Last evaluated: 2021-07-17. Review status: criteria provided, single submitter. Criteria: Invitae Variant Classification Sherloc (09022015). Collection method: clinical testing. Allele origin: germline.
Comment: In summary, the available evidence is currently insufficient to determine the role of this variant in disease. Therefore, it has been classified as a Variant of Uncertain Significance. Algorithms developed to predict the effect of missense changes on protein structure and function output the following: SIFT: "Tolerated"; PolyPhen-2: "Benign"; Align-GVGD: "Class C0". The lysine amino acid residue is found in multiple mammalian species, which suggests that this missense change does not adversely affect protein function. This variant has not been reported in the literature in individuals affected with SLC5A1-related conditions. This variant is not present in population databases (ExAC no frequency). This sequence change replaces glutamic acid with lysine at codon 578 of the SLC5A1 protein (p.Glu578Lys). The glutamic acid residue is moderately conserved and there is a small physicochemical difference between glutamic acid and lysine.